The following is an entry in ClinVar:

ClinVar aggregate classification (germline): Conflicting classifications of pathogenicity. Review status: criteria provided, conflicting classifications (1 of 4 stars). 2 submissions from 2 submitters: Uncertain significance (1); Likely benign (1). Last evaluated 2026-03-19.

Conditions:
Cardiovascular phenotype. Identifiers: MedGen CN230736.
Long QT syndrome (LQTS). Identifiers: MedGen C0023976, MeSH D008133, MONDO:0002442. Disease mechanism: loss of function. Inheritance: Various modes of inheritance.

gnomAD v4.1: 3 of 1,613,848 alleles (0.00019%); highest among the groups gnomAD compares: Admixed American, 0.0033%; no homozygotes.

Submissions (2):

Ambry Genetics
Classification: Likely benign for Cardiovascular phenotype. Last evaluated: 2026-03-19. Review status: criteria provided, single submitter. Criteria: Ambry Variant Classification Scheme 2023. Collection method: clinical testing. Allele origin: germline.

Labcorp Genetics (formerly Invitae), Labcorp
Classification: Uncertain significance for Long QT syndrome. Last evaluated: 2025-06-06. Review status: criteria provided, single submitter. Criteria: Invitae Variant Classification Sherloc (09022015). Collection method: clinical testing. Allele origin: germline.
Comment: This sequence change replaces glutamic acid, which is acidic and polar, with glutamine, which is neutral and polar, at codon 1504 of the AKAP9 protein (p.Glu1504Gln). This variant is present in population databases (no rsID available, gnomAD 0.003%). This variant has not been reported in the literature in individuals affected with AKAP9-related conditions. An algorithm developed to predict the effect of missense changes on protein structure and function (PolyPhen-2) suggests that this variant is likely to be tolerated. In summary, the available evidence is currently insufficient to determine the role of this variant in disease. Therefore, it has been classified as a Variant of Uncertain Significance.

NM_005751.5(AKAP9):c.4510G>C (p.Glu1504Gln)

Gene: AKAP9 (A-kinase anchoring protein 9; plus strand). Cytogenetic location: 7q21.2.
Variant type: single nucleotide variant.
Coding change: c.4510G>C on transcript NM_005751.5 (MANE Select); coding-DNA position 4510, G replaced by C.
Protein change: p.Glu1504Gln; replaces glutamic acid 1504 with glutamine.
Molecular consequence: missense variant.
Genome position (GRCh38, 1-based): chr7:92,038,590, G>C. VCF-style: chr7-92038590-G-C. GRCh37 (hg19) VCF-style: chr7-91667904-G-C.
Other names: c.4510G>C, p.Glu1504Gln (NM_147185.3); short protein forms E1504Q.
Identifiers: ClinVar variation 4750265 (VCV004750265.3).